The following is an entry in ClinVar:

ClinVar aggregate classification (germline): Benign (0 of 4 stars; one submission).

Conditions:
MUC16-related disorder. Also called: MUC16-related condition.

Allele frequency attached by ClinVar (database versions not stated): gnomAD exomes 0.00047; ExAC 0.00113; 1000 Genomes Project 0.00419; gnomAD 0.00425; ESP Exome Variant Server 0.00446; 1000 Genomes Project 30x 0.00453; TOPMed 0.00468.

Submission:

PreventionGenetics, part of Exact Sciences
Classification: Benign for MUC16-related condition. Last evaluated: 2019-10-28. Review status: no assertion criteria provided. Collection method: clinical testing. Allele origin: germline.
Comment: This variant is classified as benign based on ACMG/AMP sequence variant interpretation guidelines (Richards et al. 2015 PMID: 25741868, with internal and published modifications).

NM_001401501.2(MUC16):c.6261A>G (p.Ala2087=)

Gene: MUC16 (mucin 16, cell surface associated; minus strand). Cytogenetic location: 19p13.2.
Variant type: single nucleotide variant.
Coding change: c.6261A>G on transcript NM_001401501.2 (MANE Select); coding-DNA position 6261, A replaced by G.
Protein change: p.Ala2087=; no amino-acid change (alanine 2087 retained).
Molecular consequence: synonymous variant.
Genome position (GRCh38, 1-based): chr19:8,974,998, T>C on the plus strand (A>G on the coding strand, the complement: MUC16 is on the minus strand). VCF-style: chr19-8974998-T-C. GRCh37 (hg19) VCF-style: chr19-9085674-T-C.
Other names: c.6687A>G, p.Ala2229= (NM_001414686.1); c.6141A>G, p.Ala2047= (NM_001414687.1, NM_024690.2).
Identifiers: ClinVar variation 3034095 (VCV003034095.2), dbSNP rs113184876, ClinGen allele CA9172479.